The following is an entry in ClinVar:

ClinVar aggregate classification (germline): Pathogenic/Likely pathogenic. Review status: criteria provided, multiple submitters, no conflicts (2 of 4 stars). 3 submissions from 3 submitters: Pathogenic (1); Likely pathogenic (2). Last evaluated 2023-12-25.

Conditions:
UNC13D-related disorder. Also called: UNC13D-related condition.
Autoinflammatory syndrome. Identifiers: Orphanet 93665, MedGen C3890737, MONDO:0019751.
Familial hemophagocytic lymphohistiocytosis 3 (FHL3). Also called: UNC13D-Related Familial Hemophagocytic Lymphohistiocytosis (UNC13D-fHLH). Identifiers: Orphanet 540, MedGen C1837174, MONDO:0012146, OMIM 608898.

gnomAD v4.1: 7 of 1,614,012 alleles (0.00043%); highest among the groups gnomAD compares: Non-Finnish European, 0.00059%; no homozygotes.

Submissions (3):

Labcorp Genetics (formerly Invitae), Labcorp
Classification: Likely pathogenic for Familial hemophagocytic lymphohistiocytosis 3. Last evaluated: 2023-12-25. Review status: criteria provided, single submitter. Criteria: Invitae Variant Classification Sherloc (09022015). Collection method: clinical testing. Allele origin: germline.
Comment: This sequence change affects an acceptor splice site in intron 6 of the UNC13D gene. It is expected to disrupt RNA splicing. Variants that disrupt the donor or acceptor splice site typically lead to a loss of protein function (PMID: 16199547), and loss-of-function variants in UNC13D are known to be pathogenic (PMID: 14622600). This variant is not present in population databases (gnomAD no frequency). Disruption of this splice site has been observed in individual(s) with hemophagocytic lymphohistiocytosis (PMID: 24470399, 32542393). ClinVar contains an entry for this variant (Variation ID: 1694217). Algorithms developed to predict the effect of sequence changes on RNA splicing suggest that this variant may disrupt the consensus splice site. In summary, the currently available evidence indicates that the variant is pathogenic, but additional data are needed to prove that conclusively. Therefore, this variant has been classified as Likely Pathogenic.

Blueprint Genetics
Classification: Likely pathogenic for UNC13D-related disorders. Last evaluated: 2023-09-25. Review status: criteria provided, single submitter. Criteria: ACMG Guidelines, 2015. Collection method: clinical testing. Allele origin: germline. Affected: yes. Observed: 4 variant alleles.

Genome Diagnostics Laboratory, The Hospital for Sick Children
Classification: Pathogenic for Autoinflammatory syndrome. Last evaluated: 2019-11-01. Review status: criteria provided, single submitter. Criteria: ACMG Guidelines, 2015. Collection method: clinical testing. Allele origin: germline. Affected: yes.

Literature cited by the submitters: PubMed 16199547 (cited by Labcorp Genetics (formerly Invitae), Labcorp); PubMed 14622600 (cited by Labcorp Genetics (formerly Invitae), Labcorp); PubMed 24470399 (cited by Labcorp Genetics (formerly Invitae), Labcorp); PubMed 32542393 (cited by Labcorp Genetics (formerly Invitae), Labcorp).

NM_199242.3(UNC13D):c.570-2A>T

Gene: UNC13D (unc-13 homolog D; minus strand). Cytogenetic location: 17q25.1.
Variant type: single nucleotide variant.
Coding change: c.570-2A>T on transcript NM_199242.3 (MANE Select); the canonical splice acceptor site of the intron before coding-DNA position 570, A replaced by T.
Molecular consequence: splice acceptor variant.
Genome position (GRCh38, 1-based): chr17:75,841,003, T>A on the plus strand (A>T on the coding strand, the complement: UNC13D is on the minus strand). VCF-style: chr17-75841003-T-A. GRCh37 (hg19) VCF-style: chr17-73837084-T-A.
Identifiers: ClinVar variation 1694217 (VCV001694217.7), dbSNP rs770325118, ClinGen allele CA401111896.